The following is an entry in ClinVar:

NM_006231.4(POLE):c.4872G>A (p.Trp1624Ter)

Gene: POLE (DNA polymerase epsilon, catalytic subunit; minus strand). Cytogenetic location: 12q24.33.
Variant type: single nucleotide variant.
Coding change: c.4872G>A on transcript NM_006231.4 (MANE Select); coding-DNA position 4872, G replaced by A.
Protein change: p.Trp1624Ter; replaces tryptophan 1624 with a stop codon.
Molecular consequence: nonsense.
Genome position (GRCh38, 1-based): chr12:132,642,586, C>T on the plus strand (G>A on the coding strand, the complement: POLE is on the minus strand). VCF-style: chr12-132642586-C-T. GRCh37 (hg19) VCF-style: chr12-133219172-C-T.
Other names: short protein forms W1624*.
Identifiers: ClinVar variation 405778 (VCV000405778.28), dbSNP rs754982151, ClinGen allele CA6892693.

ClinVar aggregate classification (germline): Conflicting classifications of pathogenicity. Review status: criteria provided, conflicting classifications (1 of 4 stars). 6 submissions from 6 submitters: Pathogenic (1); Likely pathogenic (1); Uncertain significance (3). 1 of the submissions does not count toward it. Last evaluated 2026-01-07.

Conditions:
Colorectal cancer, susceptibility to, 12 (CRCS12). Also called: COLORECTAL CANCER, SUSCEPTIBILITY TO, ON CHROMOSOME 12q24. Identifiers: Orphanet 220460, MedGen C3554460, MONDO:0014038, OMIM 615083.
Hereditary cancer-predisposing syndrome. Also called: Neoplastic Syndromes, Hereditary; Tumor predisposition; Hereditary neoplastic syndrome; Hereditary Cancer Syndrome. Identifiers: Orphanet 140162, MedGen C0027672, MeSH D009386, MONDO:0015356.

Allele frequency attached by ClinVar (database versions not stated): gnomAD exomes 0.00001; gnomAD 0.00002; TOPMed 0.00002; ExAC 0.00001.
gnomAD v4.1: 7 of 1,613,370 alleles (0.00043%); highest among the groups gnomAD compares: Non-Finnish European, 0.00059%; no homozygotes.

Submissions (6):

Ambry Genetics
Classification: Uncertain significance for Hereditary cancer-predisposing syndrome. Last evaluated: 2026-01-07. Review status: criteria provided, single submitter. Criteria: Ambry Variant Classification Scheme 2023. Collection method: clinical testing. Allele origin: germline.
Comment: The p.W1624* variant (also known as c.4872G>A), located in coding exon 37 of the POLE gene, results from a G to A substitution at nucleotide position 4872. This changes the amino acid from a tryptophan to a stop codon within coding exon 37. This alteration is expected to result in loss of function by premature protein truncation or nonsense-mediated mRNA decay. Although biallelic loss of function of POLE has been associated with autosomal recessive POLE deficiency, haploinsufficiency of POLE has not been established as a mechanism of disease for POLE-related polymerase proofreading-associated polyposis (PPAP) and POLE-related CMMRD-like syndrome. Based on the supporting evidence, this variant is expected to be causative of POLE deficiency when present along with a second pathogenic variant on the other allele; however, its clinical significance for PPAP and POLE-related CMMRD-like syndrome is unclear.

Labcorp Genetics (formerly Invitae), Labcorp
Classification: Pathogenic. Last evaluated: 2026-01-06. Review status: criteria provided, single submitter. Criteria: Invitae Variant Classification Sherloc (09022015). Collection method: clinical testing. Allele origin: germline.
Comment: This sequence change creates a premature translational stop signal (p.Trp1624*) in the POLE gene. It is expected to result in an absent or disrupted protein product. Loss-of-function variants in POLE are known to be pathogenic (PMID: 23230001, 25948378, 30503519). This variant is present in population databases (rs754982151, gnomAD 0.004%). This variant has not been reported in the literature in individuals affected with POLE-related conditions. ClinVar contains an entry for this variant (Variation ID: 405778). For these reasons, this variant has been classified as Pathogenic.

GeneDx
Classification: Likely pathogenic. Last evaluated: 2023-09-13. Review status: criteria provided, single submitter. Criteria: GeneDx Variant Classification Process June 2021. Collection method: clinical testing. Allele origin: germline. Affected: yes.
Comment: Nonsense variant predicted to result in protein truncation or nonsense mediated decay in a gene for which loss of function is a known mechanism of disease; Not observed at significant frequency in large population cohorts (gnomAD); Observed in individuals with melanoma or renal cell carcinoma (Lu et al., 2015; Li et al., 2020; Demidova et al., 2023); This variant is associated with the following publications: (PMID: 28873162, 26689913, 31567591, 37095444)

St. Jude Molecular Pathology, St. Jude Children's Research Hospital
Classification: Uncertain significance for Colorectal cancer, susceptibility to, 12. Last evaluated: 2022-01-14. Review status: criteria provided, single submitter. Criteria: St. Jude Assertion Criteria 2020. Collection method: clinical testing. Allele origin: germline.
Comment: The POLE c.4872G>A (p.Trp1624Ter) change is a nonsense variant that is predicted to cause premature protein truncation. The disease mechanism for replication-repair-associated DNA polymerases is loss of proofreading caused by missense changes in the exonuclease domain, whereas protein-truncating variants causing loss-of-function do not have an established correlation to disease (PMID: 23447401). This variant is located at the c-terminal end of the gene and does not affect the exonuclease domain. This variant has a maximum subpopulation frequency of 0.0064% in gnomAD v2.1.1 (PM2_supporting). This variant has been reported in one hypermutated tumor, as well as in three tumors with low mutational burden (PMID: 29056344). It has also been reported in an individual with renal clear cell carcinoma (PMID: 29625052). To our knowledge, this variant has not been reported in individuals with POLE-related disease. In summary, this variant meets criteria to be classified as of uncertain significance based on the ACMG/AMP criteria: PM2_supporting.

ARUP Laboratories, Molecular Genetics and Genomics, ARUP Laboratories
Classification: Uncertain significance. Last evaluated: 2020-10-09. Review status: criteria provided, single submitter. Criteria: ARUP Molecular Germline Variant Investigation Process 2021. Collection method: clinical testing. Allele origin: germline.
Comment: The POLE c.4872G>A; p.Trp1624Ter variant (rs754982151), to our knowledge, is not reported in the medical literature but is reported in ClinVar (Variation ID: 405778). This variant is found on a single chromosome (1/31386 alleles) in the Genome Aggregation Database. This variant induces an early termination codon and is predicted to result in a truncated protein or mRNA subject to nonsense-mediated decay. However, the established disease mechanism in POLE involves missense variants in the exonuclease domain (Palles 2013), and gene-disease association has not been established for variants outside of the exonuclease domain (Seifert 2019). Given the lack of clinical and functional data, the significance of the p.Trp1624Ter variant is uncertain at this time. References: Palles C et al. Germline mutations affecting the proofreading domains of POLE and POLD1 predispose to colorectal adenomas and carcinomas. Nat Genet. 2013 Feb;45(2):136-44. Seifert BA et al. Determining the clinical validity of hereditary colorectal cancer and polyposis susceptibility genes using the Clinical Genome Resource Clinical Validity Framework. Genet Med. 2019 Jul;21(7):1507-1516.

Counsyl
Classification: Uncertain significance for Colorectal cancer, susceptibility to, 12. Last evaluated: 2018-05-29. Review status: no assertion criteria provided. Collection method: clinical testing. Allele origin: unknown. Not counted in ClinVar's aggregate classification.

Literature cited by the submitters: PubMed 23230001 (cited by Labcorp Genetics (formerly Invitae), Labcorp); PubMed 25948378 (cited by Labcorp Genetics (formerly Invitae), Labcorp); PubMed 30503519 (cited by Labcorp Genetics (formerly Invitae), Labcorp).